The following is an entry in ClinVar:

ClinVar aggregate classification (germline): Uncertain significance (1 of 4 stars; one submission).

Submission:

GeneDx
Classification: Uncertain significance. Last evaluated: 2025-02-16. Review status: criteria provided, single submitter. Criteria: GeneDx Variant Classification Process June 2021. Collection method: clinical testing. Allele origin: germline. Affected: yes.
Comment: Not observed at significant frequency in large population cohorts (gnomAD); In silico analysis supports that this missense variant has a deleterious effect on protein structure/function; Has not been previously published as pathogenic or benign to our knowledge

NM_001371928.1(AHDC1):c.4802C>T (p.Thr1601Ile)

Gene: AHDC1 (AT-hook DNA binding motif containing 1; minus strand). Cytogenetic location: 1p36.11.
Variant type: single nucleotide variant.
Coding change: c.4802C>T on transcript NM_001371928.1 (MANE Select); coding-DNA position 4802, C replaced by T.
Protein change: p.Thr1601Ile; replaces threonine 1601 with isoleucine.
Molecular consequence: missense variant.
Genome position (GRCh38, 1-based): chr1:27,547,314, G>A on the plus strand (C>T on the coding strand, the complement: AHDC1 is on the minus strand). VCF-style: chr1-27547314-G-A. GRCh37 (hg19) VCF-style: chr1-27873825-G-A.
Other names: c.4802C>T, p.Thr1601Ile (NM_001029882.3); short protein forms T1601I.
Identifiers: ClinVar variation 4075714 (VCV004075714.1).